The following is an entry in ClinVar:

NM_002691.4(POLD1):c.343C>T (p.Pro115Ser)

Gene: POLD1 (DNA polymerase delta 1, catalytic subunit; plus strand). Cytogenetic location: 19q13.33.
Variant type: single nucleotide variant.
Coding change: c.343C>T on transcript NM_002691.4 (MANE Select); coding-DNA position 343, C replaced by T.
Protein change: p.Pro115Ser; replaces proline 115 with serine.
Molecular consequence: missense variant. On other transcripts: non-coding transcript variant (1).
Genome position (GRCh38, 1-based): chr19:50,401,804, C>T. VCF-style: chr19-50401804-C-T. GRCh37 (hg19) VCF-style: chr19-50905061-C-T.
Other names: c.343C>T (NM_002691.2); c.343C>T, p.Pro115Ser (NM_001256849.1, NM_001308632.1); short protein forms P115S.
Identifiers: ClinVar variation 407960 (VCV000407960.12), dbSNP rs754917939, ClinGen allele CA9595706.

ClinVar aggregate classification (germline): Conflicting classifications of pathogenicity. Review status: criteria provided, conflicting classifications (1 of 4 stars). 3 submissions from 3 submitters: Uncertain significance (2); Likely benign (1). Last evaluated 2025-11-05.

Conditions:
POLD1-related polyposis and colorectal cancer syndrome (CRCS10). Also called: Colorectal cancer, susceptibility to, 10; Colorectal cancer 10; COLORECTAL CANCER, SUSCEPTIBILITY TO, ON CHROMOSOME 19q. Identifiers: Orphanet 220460, MedGen C2675481, MONDO:0012953, OMIM 612591.
Mandibular hypoplasia-deafness-progeroid syndrome. Also called: Mandibular hypoplasia, deafness, progeroid features, and lipodystrophy syndrome. Identifiers: Orphanet 363649, MedGen C3715192, MONDO:0014157, OMIM 615381.
Hereditary cancer-predisposing syndrome. Also called: Neoplastic Syndromes, Hereditary; Hereditary neoplastic syndrome; Hereditary Cancer Syndrome; Tumor predisposition. Identifiers: Orphanet 140162, MedGen C0027672, MeSH D009386, MONDO:0015356.

Allele frequency attached by ClinVar (database versions not stated): gnomAD exomes below 0.00001; ExAC 0.00001.
gnomAD v4.1: 12 of 1,612,738 alleles (0.00074%); highest among the groups gnomAD compares: Non-Finnish European, 0.001%; no homozygotes.

Submissions (3):

Labcorp Genetics (formerly Invitae), Labcorp
Classification: Uncertain significance for POLD1-related polyposis and colorectal cancer syndrome. Last evaluated: 2025-11-05. Review status: criteria provided, single submitter. Criteria: Invitae Variant Classification Sherloc (09022015). Collection method: clinical testing. Allele origin: germline.
Comment: This sequence change replaces proline, which is neutral and non-polar, with serine, which is neutral and polar, at codon 115 of the POLD1 protein (p.Pro115Ser). The frequency data for this variant in the population databases is considered unreliable, as metrics indicate poor data quality at this position in the gnomAD database. This variant has not been reported in the literature in individuals affected with POLD1-related conditions. ClinVar contains an entry for this variant (Variation ID: 407960). An algorithm developed to predict the effect of missense changes on protein structure and function outputs the following: PolyPhen-2: "Benign". The serine amino acid residue is found in multiple mammalian species, which suggests that this missense change does not adversely affect protein function. In summary, the available evidence is currently insufficient to determine the role of this variant in disease. Therefore, it has been classified as a Variant of Uncertain Significance.

Ambry Genetics
Classification: Likely benign for Hereditary cancer-predisposing syndrome. Last evaluated: 2025-06-23. Review status: criteria provided, single submitter. Criteria: Ambry Variant Classification Scheme 2023. Collection method: clinical testing. Allele origin: germline.

Fulgent Genetics
Classification: Uncertain significance for POLD1-related polyposis and colorectal cancer syndrome; Mandibular hypoplasia-deafness-progeroid syndrome. Last evaluated: 2018-10-31. Review status: criteria provided, single submitter. Criteria: ACMG Guidelines, 2015. Collection method: clinical testing. Allele origin: unknown.